The following is an entry in ClinVar:

ClinVar aggregate classification (germline): Uncertain significance (1 of 4 stars; one submission).

Allele frequency attached by ClinVar (database versions not stated): gnomAD exomes below 0.00001; TOPMed below 0.00001.
gnomAD v4.1: 1 of 1,608,002 alleles (0.000062%); highest among the groups gnomAD compares: Non-Finnish European, 0.000085%; no homozygotes.

Submission:

Labcorp Genetics (formerly Invitae), Labcorp
Classification: Uncertain significance. Last evaluated: 2022-06-12. Review status: criteria provided, single submitter. Criteria: Invitae Variant Classification Sherloc (09022015). Collection method: clinical testing. Allele origin: germline.
Comment: This sequence change replaces histidine, which is basic and polar, with tyrosine, which is neutral and polar, at codon 49 of the CRAT protein (p.His49Tyr). In summary, the available evidence is currently insufficient to determine the role of this variant in disease. Therefore, it has been classified as a Variant of Uncertain Significance. Algorithms developed to predict the effect of missense changes on protein structure and function (SIFT, PolyPhen-2, Align-GVGD) all suggest that this variant is likely to be tolerated. This variant has not been reported in the literature in individuals affected with CRAT-related conditions. This variant is not present in population databases (gnomAD no frequency).

NM_000755.5(CRAT):c.145C>T (p.His49Tyr)

Gene: CRAT (carnitine O-acetyltransferase; minus strand). Cytogenetic location: 9q34.11.
Variant type: single nucleotide variant.
Coding change: c.145C>T on transcript NM_000755.5 (MANE Select); coding-DNA position 145, C replaced by T.
Protein change: p.His49Tyr; replaces histidine 49 with tyrosine.
Molecular consequence: missense variant.
Genome position (GRCh38, 1-based): chr9:129,107,960, G>A on the plus strand (C>T on the coding strand, the complement: CRAT is on the minus strand). VCF-style: chr9-129107960-G-A. GRCh37 (hg19) VCF-style: chr9-131870239-G-A.
Other names: c.82C>T, p.His28Tyr (NM_001257363.3, NM_001346548.2, NM_004003.4); c.148C>T, p.His50Tyr (NM_001346546.2); c.145C>T, p.His49Tyr (NM_001346547.2, NM_001346549.2); short protein forms H50Y, H28Y, H49Y.
Identifiers: ClinVar variation 2062045 (VCV002062045.4), dbSNP rs1351333486, ClinGen allele CA375108984.